The following is an entry in ClinVar:

NM_000747.3(CHRNB1):c.1210C>T (p.Pro404Ser)

Gene: CHRNB1 (cholinergic receptor nicotinic beta 1 subunit; plus strand). Cytogenetic location: 17p13.1.
Variant type: single nucleotide variant.
Coding change: c.1210C>T on transcript NM_000747.3 (MANE Select); coding-DNA position 1210, C replaced by T.
Protein change: p.Pro404Ser; replaces proline 404 with serine.
Molecular consequence: missense variant.
Genome position (GRCh38, 1-based): chr17:7,455,449, C>T. VCF-style: chr17-7455449-C-T. GRCh37 (hg19) VCF-style: chr17-7358768-C-T.
Other names: short protein forms P404S.
Identifiers: ClinVar variation 576196 (VCV000576196.9), dbSNP rs1199729169, ClinGen allele CA397801713.

ClinVar aggregate classification (germline): Uncertain significance. Review status: criteria provided, multiple submitters, no conflicts (2 of 4 stars). 2 submissions from 2 submitters: Uncertain significance (2). Last evaluated 2026-09-01.

Conditions:
Inborn genetic diseases. Identifiers: MedGen C0950123, MeSH D030342.
Congenital myasthenic syndrome 2A. Also called: Myasthenic syndrome, congenital, 2a, slow-channel. Identifiers: Orphanet 590, MedGen C4225374, MONDO:0014581, OMIM 616313.

Allele frequency attached by ClinVar (database versions not stated): gnomAD 0.00001; gnomAD exomes 0.00001; TOPMed 0.00001.

Submissions (2):

Ambry Genetics
Classification: Uncertain significance for Inborn genetic diseases. Last evaluated: 2026-09-01. Review status: criteria provided, single submitter. Criteria: Ambry Variant Classification Scheme 2023. Collection method: clinical testing. Allele origin: germline.

Labcorp Genetics (formerly Invitae), Labcorp
Classification: Uncertain significance for Congenital myasthenic syndrome 2A. Last evaluated: 2024-11-23. Review status: criteria provided, single submitter. Criteria: Invitae Variant Classification Sherloc (09022015). Collection method: clinical testing. Allele origin: germline.
Comment: This sequence change replaces proline, which is neutral and non-polar, with serine, which is neutral and polar, at codon 404 of the CHRNB1 protein (p.Pro404Ser). This variant is present in population databases (no rsID available, gnomAD 0.003%). This variant has not been reported in the literature in individuals affected with CHRNB1-related conditions. ClinVar contains an entry for this variant (Variation ID: 576196). Invitae Evidence Modeling of protein sequence and biophysical properties (such as structural, functional, and spatial information, amino acid conservation, physicochemical variation, residue mobility, and thermodynamic stability) indicates that this missense variant is not expected to disrupt CHRNB1 protein function with a negative predictive value of 95%. In summary, the available evidence is currently insufficient to determine the role of this variant in disease. Therefore, it has been classified as a Variant of Uncertain Significance.